The following is an entry in ClinVar:

ClinVar aggregate classification (germline): Conflicting classifications of pathogenicity. Review status: criteria provided, conflicting classifications (1 of 4 stars). 4 submissions from 4 submitters: Uncertain significance (3); Likely benign (1). Last evaluated 2025-11-15.

Conditions:
ADCY10-related disorder. Also called: ADCY10-related condition.

Allele frequency attached by ClinVar (database versions not stated): ESP Exome Variant Server 0.00046; ExAC 0.00071; gnomAD exomes 0.00072 and 0.00119; 1000 Genomes Project 30x 0.00078; 1000 Genomes Project 0.00080; TOPMed 0.00081; gnomAD 0.00088.

Submissions (4):

Labcorp Genetics (formerly Invitae), Labcorp
Classification: Uncertain significance. Last evaluated: 2025-11-15. Review status: criteria provided, single submitter. Criteria: Invitae Variant Classification Sherloc (09022015). Collection method: clinical testing. Allele origin: germline.
Comment: This sequence change replaces glycine, which is neutral and non-polar, with arginine, which is basic and polar, at codon 1198 of the ADCY10 protein (p.Gly1198Arg). This variant is present in population databases (rs41270739, gnomAD 0.1%), and has an allele count higher than expected for a pathogenic variant. This variant has not been reported in the literature in individuals affected with ADCY10-related conditions. ClinVar contains an entry for this variant (Variation ID: 960300). An algorithm developed to predict the effect of missense changes on protein structure and function outputs the following: PolyPhen-2: "Benign". The arginine amino acid residue is found in multiple mammalian species, which suggests that this missense change does not adversely affect protein function. In summary, the available evidence is currently insufficient to determine the role of this variant in disease. Therefore, it has been classified as a Variant of Uncertain Significance.

PreventionGenetics, part of Exact Sciences
Classification: Likely benign for ADCY10-related condition. Last evaluated: 2025-10-15. Review status: criteria provided, single submitter. Criteria: ACMG Guidelines, 2015. Collection method: clinical testing. Allele origin: germline.
Comment: This variant is classified as likely benign based on ACMG/AMP sequence variant interpretation guidelines (Richards et al. 2015 PMID: 25741868, with internal and published modifications).

Mayo Clinic Laboratories, Mayo Clinic
Classification: Uncertain significance. Last evaluated: 2023-08-11. Review status: criteria provided, single submitter. Criteria: ACMG Guidelines, 2015. Collection method: clinical testing. Allele origin: germline. Observed: 1 variant allele.
Comment: BP4

Ambry Genetics
Classification: Uncertain significance. Last evaluated: 2021-10-19. Review status: criteria provided, single submitter. Criteria: Ambry Variant Classification Scheme 2023. Collection method: clinical testing. Allele origin: germline.

NM_018417.6(ADCY10):c.3592G>A (p.Gly1198Arg)

Gene: ADCY10 (adenylate cyclase 10; minus strand). Cytogenetic location: 1q24.2.
Variant type: single nucleotide variant.
Coding change: c.3592G>A on transcript NM_018417.6 (MANE Select); coding-DNA position 3592, G replaced by A.
Protein change: p.Gly1198Arg; replaces glycine 1198 with arginine.
Molecular consequence: missense variant.
Genome position (GRCh38, 1-based): chr1:167,832,988, C>T on the plus strand (G>A on the coding strand, the complement: ADCY10 is on the minus strand). VCF-style: chr1-167832988-C-T. GRCh37 (hg19) VCF-style: chr1-167802226-C-T.
Other names: p.Gly1198Arg; c.3133G>A, p.Gly1045Arg (NM_001167749.3); c.3316G>A, p.Gly1106Arg (NM_001297772.2); c.3592G>A (NM_018417.4); short protein forms G1106R, G1198R, G1045R.
Identifiers: ClinVar variation 960300 (VCV000960300.9), dbSNP rs41270739, ClinGen allele CA1227316.